The following is an entry in ClinVar:

ClinVar aggregate classification (germline): Uncertain significance (1 of 4 stars; one submission).

Conditions:
Senior-Loken syndrome 7 (SLSN7). Identifiers: Orphanet 3156, MedGen C3150877, MONDO:0013326, OMIM 613615.
Bardet-Biedl syndrome 16 (BBS16). Identifiers: Orphanet 110, MedGen C3889474, MONDO:0014444, OMIM 615993.

Allele frequency attached by ClinVar (database versions not stated): gnomAD exomes below 0.00001; ExAC 0.00001; gnomAD 0.00002; TOPMed 0.00002; ESP Exome Variant Server 0.00008.
gnomAD v4.1: 4 of 1,613,962 alleles (0.00025%); highest among the groups gnomAD compares: African/African-American, 0.0053%; no homozygotes.

Submission:

Labcorp Genetics (formerly Invitae), Labcorp
Classification: Uncertain significance for Bardet-Biedl syndrome 16; Senior-Loken syndrome 7. Last evaluated: 2024-10-21. Review status: criteria provided, single submitter. Criteria: Invitae Variant Classification Sherloc (09022015). Collection method: clinical testing. Allele origin: germline.
Comment: This sequence change replaces glutamic acid, which is acidic and polar, with lysine, which is basic and polar, at codon 221 of the SDCCAG8 protein (p.Glu221Lys). This variant is present in population databases (rs373999051, gnomAD 0.007%). This variant has not been reported in the literature in individuals affected with SDCCAG8-related conditions. ClinVar contains an entry for this variant (Variation ID: 1467015). Invitae Evidence Modeling of protein sequence and biophysical properties (such as structural, functional, and spatial information, amino acid conservation, physicochemical variation, residue mobility, and thermodynamic stability) indicates that this missense variant is not expected to disrupt SDCCAG8 protein function with a negative predictive value of 80%. Algorithms developed to predict the effect of sequence changes on RNA splicing suggest that this variant may create or strengthen a splice site. In summary, the available evidence is currently insufficient to determine the role of this variant in disease. Therefore, it has been classified as a Variant of Uncertain Significance.

NM_006642.5(SDCCAG8):c.661G>A (p.Glu221Lys)

Gene: SDCCAG8 (SHH signaling and ciliogenesis regulator SDCCAG8; plus strand). Cytogenetic location: 1q43.
Variant type: single nucleotide variant.
Coding change: c.661G>A on transcript NM_006642.5 (MANE Select); coding-DNA position 661, G replaced by A.
Protein change: p.Glu221Lys; replaces glutamic acid 221 with lysine.
Molecular consequence: missense variant. On other transcripts: 5 prime UTR variant (3).
Genome position (GRCh38, 1-based): chr1:243,293,205, G>A. VCF-style: chr1-243293205-G-A. GRCh37 (hg19) VCF-style: chr1-243456507-G-A.
Other names: c.-452G>A (NM_001350246.2); c.-340G>A (NM_001350247.2); c.661G>A, p.Glu221Lys (NM_001350248.2); c.367G>A, p.Glu123Lys (NM_001350249.2); c.-713G>A (NM_001350251.2); short protein forms E221K, E123K.
Identifiers: ClinVar variation 1467015 (VCV001467015.6), dbSNP rs373999051, ClinGen allele CA1483368.